The following is an entry in ClinVar:

ClinVar aggregate classification (germline): Likely benign (0 of 4 stars; one submission).

Conditions:
EMD-related disorder. Also called: EMD-related condition.

Allele frequency attached by ClinVar (database versions not stated): 1000 Genomes Project 30x 0.00021; TOPMed 0.00030; gnomAD 0.00037.
gnomAD v4.1: 69 of 753,827 alleles (0.0092%); highest among the groups gnomAD compares: African/African-American, 0.12%; no homozygotes.

Submission:

PreventionGenetics, part of Exact Sciences
Classification: Likely benign for EMD-related condition. Last evaluated: 2021-05-05. Review status: no assertion criteria provided. Collection method: clinical testing. Allele origin: germline.
Comment: This variant is classified as likely benign based on ACMG/AMP sequence variant interpretation guidelines (Richards et al. 2015 PMID: 25741868, with internal and published modifications).

NM_000117.3(EMD):c.-117G>A

Gene: EMD (emerin; plus strand). Cytogenetic location: Xq28.
Variant type: single nucleotide variant.
Coding change: c.-117G>A on transcript NM_000117.3 (MANE Select); 117 bases upstream of the start codon, G replaced by A.
Molecular consequence: 5 prime UTR variant.
Genome position (GRCh38, 1-based): chrX:154,379,368, G>A. VCF-style: chrX-154379368-G-A. GRCh37 (hg19) VCF-style: chrX-153607728-G-A.
Identifiers: ClinVar variation 3057492 (VCV003057492.2), dbSNP rs1364497478, ClinGen allele CA645171829.